The following is an entry in ClinVar:

NM_002047.4(GARS1):c.1015G>A (p.Gly339Arg)

Gene: GARS1 (glycyl-tRNA synthetase 1; plus strand). Cytogenetic location: 7p14.3.
Variant type: single nucleotide variant.
Coding change: c.1015G>A on transcript NM_002047.4 (MANE Select); coding-DNA position 1015, G replaced by A.
Protein change: p.Gly339Arg; replaces glycine 339 with arginine.
Molecular consequence: missense variant.
Genome position (GRCh38, 1-based): chr7:30,612,229, G>A. VCF-style: chr7-30612229-G-A. GRCh37 (hg19) VCF-style: chr7-30651845-G-A.
Other names: c.853G>A, p.Gly285Arg (NM_001316772.1); short protein forms G285R, G339R.
Identifiers: ClinVar variation 1326212 (VCV001326212.5), dbSNP rs2128134030, ClinGen allele CA367125563.

ClinVar aggregate classification (germline): Pathogenic/Likely pathogenic. Review status: criteria provided, multiple submitters, no conflicts (2 of 4 stars). 3 submissions from 3 submitters: Pathogenic (2); Likely pathogenic (1). Last evaluated 2024-02-17.

Conditions:
Charcot-Marie-Tooth disease type 2. Also called: Charcot-Marie-Tooth type 2. Identifiers: Orphanet 64746, MedGen C0270914, MONDO:0018993.
Neuronopathy, distal hereditary motor, type 5A (HMND5). Also called: Distal Spinal Muscular Atrophy V; DHMN VA; NEURONOPATHY, DISTAL HEREDITARY MOTOR, AUTOSOMAL DOMINANT 5; Distal Spinal Muscular Atrophy V (dSMA-V). Identifiers: Orphanet 139536, MedGen CN031873, MONDO:0015353, OMIM 600794.

Submissions (3):

Labcorp Genetics (formerly Invitae), Labcorp
Classification: Pathogenic for Charcot-Marie-Tooth disease type 2. Last evaluated: 2024-02-17. Review status: criteria provided, single submitter. Criteria: Invitae Variant Classification Sherloc (09022015). Collection method: clinical testing. Allele origin: germline.
Comment: This sequence change replaces glycine, which is neutral and non-polar, with arginine, which is basic and polar, at codon 339 of the GARS protein (p.Gly339Arg). This variant is not present in population databases (gnomAD no frequency). This missense change has been observed in individual(s) with clinical features of autosomal dominant distal hereditary motor neuropathy (PMID: 33381078). In at least one individual the variant was observed to be de novo. ClinVar contains an entry for this variant (Variation ID: 1326212). Advanced modeling of protein sequence and biophysical properties (such as structural, functional, and spatial information, amino acid conservation, physicochemical variation, residue mobility, and thermodynamic stability) performed at Invitae indicates that this missense variant is expected to disrupt GARS protein function with a positive predictive value of 95%. For these reasons, this variant has been classified as Pathogenic.

GeneDx
Classification: Pathogenic. Last evaluated: 2021-09-16. Review status: criteria provided, single submitter. Criteria: GeneDx Variant Classification Process June 2021. Collection method: clinical testing. Allele origin: germline. Affected: yes.
Comment: In silico analysis supports that this missense variant has a deleterious effect on protein structure/function; Not observed in large population cohorts (Lek et al., 2016); This variant is associated with the following publications: (PMID: 33381078, 26503042, 26138142, 25168514, 27535533)

3billion
Classification: Likely pathogenic for Neuronopathy, distal hereditary motor, type 5A. Review status: criteria provided, single submitter. Criteria: ACMG Guidelines, 2015. Collection method: clinical testing. Allele origin: unknown. Affected: yes. Observed: 1 heterozygote.
Comment: The variant is not observed in the gnomAD v2.1.1 dataset. Missense changes are a common disease-causing mechanism. In silico tool predictions suggest damaging effect of the variant on gene or gene product (REVEL: 0.91; 3Cnet: 0.99). Same nucleotide change resulting in same amino acid change has been previously reported to be associated with GARS1 related disorder (ClinVar ID: VCV001326212 / PMID: 33381078). The variant has been previously reported as de novo in a similarly affected individual (PMID: 33381078). Therefore, this variant is classified as Likely pathogenic according to the recommendation of ACMG/AMP guideline.

Literature cited by the submitters: PubMed 33381078 (cited by Labcorp Genetics (formerly Invitae), Labcorp and 3billion).